The following is an entry in ClinVar:

NM_000032.5(ALAS2):c.1699A>G (p.Met567Val)

Gene: ALAS2 (5'-aminolevulinate synthase 2; minus strand). Cytogenetic location: Xp11.21.
Variant type: single nucleotide variant.
Coding change: c.1699A>G on transcript NM_000032.5 (MANE Select); coding-DNA position 1699, A replaced by G.
Protein change: p.Met567Val; replaces methionine 567 with valine.
Molecular consequence: missense variant.
Genome position (GRCh38, 1-based): chrX:55,009,245, T>C on the plus strand (A>G on the coding strand, the complement: ALAS2 is on the minus strand). VCF-style: chrX-55009245-T-C. GRCh37 (hg19) VCF-style: chrX-55035678-T-C.
Other names: p.M567V:ATG>GTG; c.1699A>G, p.Met567Val (LRG_1163t1); c.1588A>G, p.Met530Val (NM_001037967.4); c.1660A>G, p.Met554Val (NM_001037968.4); short protein forms M567V, M554V, M530V.
Identifiers: ClinVar variation 214104 (VCV000214104.2), dbSNP rs863223906, ClinGen allele CA320358.

ClinVar aggregate classification (germline): Pathogenic (1 of 4 stars; one submission).

Submission:

GeneDx
Classification: Pathogenic. Last evaluated: 2014-10-03. Review status: criteria provided, single submitter. Criteria: GeneDx Variant Classification (06012015). Collection method: clinical testing. Allele origin: germline. Affected: yes.
Comment: p.Met567Val (ATG>GTG): c.1699 A>G in exon 11 of the ALAS2 gene (NM_000032.4). The M567V missense mutation in the ALAS2 gene has been reported previously in a patient with X-linked hereditary sideroblastic anemia (Bishop et al., 2012). Functional studies suggest that the mutation interferes with binding between ALAS2 and succinyl-CoA synthase and disrupts the complex (Bishop et al., 2012). This complex is hypothesized to play an important role in in vivo heme biosynthesis. This result is expected to be consistent with a diagnosis of X-linked hereditary sideroblastic anemia. The variant is found in MITONUC-MITOP panel(s).